The following is an entry in ClinVar:

NM_014141.6(CNTNAP2):c.1643G>A (p.Ser548Asn)

Gene: CNTNAP2 (contactin associated protein 2; plus strand). Cytogenetic location: 7q35.
Variant type: single nucleotide variant.
Coding change: c.1643G>A on transcript NM_014141.6 (MANE Select); coding-DNA position 1643, G replaced by A.
Protein change: p.Ser548Asn; replaces serine 548 with asparagine.
Molecular consequence: missense variant.
Genome position (GRCh38, 1-based): chr7:147,395,753, G>A. VCF-style: chr7-147395753-G-A. GRCh37 (hg19) VCF-style: chr7-147092845-G-A.
Other names: short protein forms S548N.
Identifiers: ClinVar variation 1320850 (VCV001320850.2), dbSNP rs2116454260, ClinGen allele CA369925693.
Genomic context (GRCh38, chr7:147,395,753, plus strand): 5'-ATCAACTTGTAAATTTATACGAAGTGGCACAAAGGAAGCCGGGAAGTTTCGCGAATGTCA[G>A]CATTGACATGTGTGCGATCATAGACAGGTAAATGATCTTTTCATCCTACCTCACGTTGTC-3'
Protein context (NP_054860.1, residues 538-558): QRKPGSFANV[Ser548Asn]IDMCAIIDRC

ClinVar aggregate classification (germline): Uncertain significance (1 of 4 stars; one submission).

Allele frequency attached by ClinVar (database versions not stated): gnomAD exomes 0.00001.
gnomAD v4.1: 7 of 1,612,354 alleles (0.00043%); highest among the groups gnomAD compares: Non-Finnish European, 0.00059%; no homozygotes.

Submission:

GeneDx
Classification: Uncertain significance. Last evaluated: 2020-03-03. Review status: criteria provided, single submitter. Criteria: GeneDx Variant Classification Process June 2021. Collection method: clinical testing. Allele origin: germline. Affected: yes.
Comment: Not observed in large population cohorts (Lek et al., 2016); In silico analysis, which includes protein predictors and evolutionary conservation, supports that this variant does not alter protein structure/function; Has not been previously published as pathogenic or benign to our knowledge